The following is an entry in ClinVar:

NM_031471.6(FERMT3):c.37G>A (p.Asp13Asn)

Gene: FERMT3 (FERM domain containing kindlin 3; plus strand). Cytogenetic location: 11q13.1.
Variant type: single nucleotide variant.
Coding change: c.37G>A on transcript NM_031471.6 (MANE Select); coding-DNA position 37, G replaced by A.
Protein change: p.Asp13Asn; replaces aspartic acid 13 with asparagine.
Molecular consequence: missense variant.
Genome position (GRCh38, 1-based): chr11:64,207,401, G>A. VCF-style: chr11-64207401-G-A. GRCh37 (hg19) VCF-style: chr11-63974873-G-A.
Other names: c.37G>A, p.Asp13Asn (NM_001382361.1, NM_001382362.1, NM_001382448.1 and 1 more transcripts); c.37G>A (NM_031471.5); short protein forms D13N.
Identifiers: ClinVar variation 1483571 (VCV001483571.8), dbSNP rs375595381, ClinGen allele CA6068613.

ClinVar aggregate classification (germline): Uncertain significance. Review status: criteria provided, multiple submitters, no conflicts (2 of 4 stars). 2 submissions from 2 submitters: Uncertain significance (2). Last evaluated 2021-11-29.

Conditions:
Leukocyte adhesion deficiency 3. Also called: INTEGRIN ACTIVATION DEFICIENCY DISEASE; LEUKOCYTE ADHESION DEFICIENCY 1 VARIANT; Leukocyte adhesion deficiency, type III. Identifiers: Orphanet 2968, Orphanet 99844, MedGen C2748536, MONDO:0013016, OMIM 612840.
Inborn genetic diseases. Identifiers: MedGen C0950123, MeSH D030342.

Allele frequency attached by ClinVar (database versions not stated): gnomAD exomes 0.00001; ExAC 0.00002; TOPMed 0.00002; gnomAD 0.00003; ESP Exome Variant Server 0.00008.

Submissions (2):

Ambry Genetics
Classification: Uncertain significance for Inborn genetic diseases. Last evaluated: 2021-11-29. Review status: criteria provided, single submitter. Criteria: Ambry Variant Classification Scheme 2023. Collection method: clinical testing. Allele origin: germline.

Labcorp Genetics (formerly Invitae), Labcorp
Classification: Uncertain significance for Leukocyte adhesion deficiency 3. Last evaluated: 2021-02-14. Review status: criteria provided, single submitter. Criteria: Invitae Variant Classification Sherloc (09022015). Collection method: clinical testing. Allele origin: germline.
Comment: In summary, the available evidence is currently insufficient to determine the role of this variant in disease. Therefore, it has been classified as a Variant of Uncertain Significance. Algorithms developed to predict the effect of missense changes on protein structure and function are either unavailable or do not agree on the potential impact of this missense change (SIFT: "Deleterious"; PolyPhen-2: "Benign"; Align-GVGD: "Class C0"). This variant has not been reported in the literature in individuals with FERMT3-related conditions. This variant is present in population databases (rs375595381, ExAC 0.01%). This sequence change replaces aspartic acid with asparagine at codon 13 of the FERMT3 protein (p.Asp13Asn). The aspartic acid residue is highly conserved and there is a small physicochemical difference between aspartic acid and asparagine.